The following is an entry in ClinVar:

NM_004415.4(DSP):c.3529C>A (p.Leu1177Ile)

Gene: DSP (desmoplakin; plus strand). Cytogenetic location: 6p24.3.
Variant type: single nucleotide variant.
Coding change: c.3529C>A on transcript NM_004415.4 (MANE Select); coding-DNA position 3529, C replaced by A.
Protein change: p.Leu1177Ile; replaces leucine 1177 with isoleucine.
Molecular consequence: missense variant.
Genome position (GRCh38, 1-based): chr6:7,579,719, C>A. VCF-style: chr6-7579719-C-A. GRCh37 (hg19) VCF-style: chr6-7579952-C-A.
Other names: c.3529C>A, p.Leu1177Ile (NM_001008844.3, NM_001319034.2); short protein forms L1177I.
Identifiers: ClinVar variation 3070078 (VCV003070078.1), dbSNP rs2533924184, ClinGen allele CA362684271.

ClinVar aggregate classification (germline): Uncertain significance (1 of 4 stars; one submission).

Conditions:
Arrhythmogenic cardiomyopathy with wooly hair and keratoderma. Also called: Carvajal syndrome; PALMOPLANTAR KERATODERMA WITH LEFT VENTRICULAR CARDIOMYOPATHY AND WOOLLY HAIR; Dilated cardiomyopathy with woolly hair and keratoderma; Arrhythmogenic cardiomyopathy with woolly hair and keratoderma. Identifiers: Orphanet 65282, MedGen C1854063, MONDO:0011581, OMIM 605676.

Submission:

All of Us Research Program, National Institutes of Health
Classification: Uncertain significance for Arrhythmogenic cardiomyopathy with wooly hair and keratoderma. Last evaluated: 2023-04-03. Review status: criteria provided, single submitter. Criteria: ACMG Guidelines, 2015. Collection method: clinical testing. Allele origin: germline. Inheritance: Autosomal dominant inheritance. Observed: 1 variant allele, 1 heterozygote.
Comment: This missense variant replaces leucine with isoleucine at codon 1177 of the DSP protein. Computational prediction suggests that this variant may not impact protein structure and function (internally defined REVEL score threshold <= 0.5, PMID: 27666373). To our knowledge, functional studies have not been reported for this variant. This variant has not been reported in individuals affected with DSP-related disorders in the literature. This variant has not been identified in the general population by the Genome Aggregation Database (gnomAD). The available evidence is insufficient to determine the role of this variant in disease conclusively. Therefore, this variant is classified as a Variant of Uncertain Significance.

This study involves interpretation of variants in research participants for the purpose of population health screening. Participant phenotype was not available at the time of variant classification. Additional details can be found in publication PMID: 35346344, PMCID: PMC8962531